The following is an entry in ClinVar:

ClinVar aggregate classification (germline): Likely pathogenic (0 of 4 stars; one submission).

Conditions:
Neurodevelopmental disorder with hypotonia, stereotypic hand movements, and impaired language. Also called: Intellectual disability, autosomal dominant 20. Identifiers: Orphanet 228384, Orphanet 664410, MedGen C3150700, MONDO:0013266, OMIM 613443.

Submission:

Clinical Genomics Laboratory, Stanford Medicine
Classification: Likely pathogenic for Neurodevelopmental disorder with hypotonia, stereotypic hand movements, and impaired language. Last evaluated: 2019-01-17. Review status: no assertion criteria provided. Collection method: clinical testing. Allele origin: germline. Inheritance: Autosomal dominant inheritance. Affected: yes.
Comment: This variant is a predicted loss of function variant in the MEF2C gene. Loss of function variants in the MEF2C gene are an established cause of disease. This variant has not been previously reported in association with disease. This variant was also absent from large population databases, including the Genome Aggregation Database. These data were assessed using the ACMG/AMP variant interpretation guidelines. In summary, we conclude that there is sufficient evidence to classify the this variant as likely pathogenic for disease in an autosomal dominant manner. [ACMG evidence codes used: PVS1, PM2]

NM_002397.5(MEF2C):c.532C>T (p.Gln178Ter)

Gene: MEF2C (myocyte enhancer factor 2C; minus strand). Cytogenetic location: 5q14.3.
Variant type: single nucleotide variant.
Coding change: c.532C>T on transcript NM_002397.5 (MANE Select); coding-DNA position 532, C replaced by T.
Protein change: p.Gln178Ter; replaces glutamine 178 with a stop codon.
Molecular consequence: nonsense.
Genome position (GRCh38, 1-based): chr5:88,751,914, G>A on the plus strand (C>T on the coding strand, the complement: MEF2C is on the minus strand). VCF-style: chr5-88751914-G-A. GRCh37 (hg19) VCF-style: chr5-88047731-G-A.
Other names: c.526C>T, p.Gln176Ter (NM_001131005.2, NM_001364352.2, NM_001364343.2); c.586C>T, p.Gln196Ter (NM_001193347.1, NM_001364338.2); c.388C>T, p.Gln130Ter (NM_001193348.1, NM_001193349.3, NM_001364332.2 and 3 more transcripts); c.532C>T, p.Gln178Ter (NM_001193350.2, NM_001308002.3, NM_001363581.2 and 18 more transcripts); c.154C>T, p.Gln52Ter (NM_001364353.2, NM_001364356.2); c.106C>T, p.Gln36Ter (NM_001364357.2); short protein forms Q130*, Q176*, Q178*, Q196*, Q36*, Q52*.
Identifiers: ClinVar variation 976480 (VCV000976480.1), dbSNP rs1772953161, ClinGen allele CA360423783.